The following is an entry in ClinVar:

ClinVar aggregate classification (germline): Conflicting classifications of pathogenicity. Review status: criteria provided, conflicting classifications (1 of 4 stars). 3 submissions from 3 submitters: Uncertain significance (1); Likely benign (2). Last evaluated 2026-01-12.

Conditions:
PCLO-related disorder. Also called: PCLO-related condition.
Pontocerebellar hypoplasia type 3 (PCH3). Also called: CEREBELLAR ATROPHY WITH PROGRESSIVE MICROCEPHALY; PCH WITH OPTIC ATROPHY. Identifiers: Orphanet 97249, MedGen C1842687, MONDO:0011948, OMIM 608027.

Allele frequency attached by ClinVar (database versions not stated): gnomAD exomes 0.00010 and 0.00026; ExAC 0.00026; ESP Exome Variant Server 0.00057; 1000 Genomes Project 30x 0.00078; 1000 Genomes Project 0.00080; gnomAD 0.00089 and 0.00096; TOPMed 0.00103.
gnomAD v4.1: 292 of 1,613,920 alleles (0.018%); highest among the groups gnomAD compares: African/African-American, 0.32%; 1 homozygote.

Submissions (3):

Labcorp Genetics (formerly Invitae), Labcorp
Classification: Likely benign. Last evaluated: 2026-01-12. Review status: criteria provided, single submitter. Criteria: Invitae Variant Classification Sherloc (09022015). Collection method: clinical testing. Allele origin: germline.

PreventionGenetics, part of Exact Sciences
Classification: Likely benign for PCLO-related condition. Last evaluated: 2025-07-22. Review status: criteria provided, single submitter. Criteria: ACMG Guidelines, 2015. Collection method: clinical testing. Allele origin: germline.
Comment: This variant is classified as likely benign based on ACMG/AMP sequence variant interpretation guidelines (Richards et al. 2015 PMID: 25741868, with internal and published modifications).

Baylor Genetics
Classification: Uncertain significance for Pontocerebellar hypoplasia type 3. Last evaluated: 2018-01-13. Review status: criteria provided, single submitter. Criteria: ACMG Guidelines, 2015. Collection method: clinical testing. Allele origin: maternal. Affected: yes.
Comment: This variant was determined to be of uncertain significance according to ACMG Guidelines, 2015 [PMID:25741868].

NM_033026.6(PCLO):c.5267G>A (p.Arg1756His)

Gene: PCLO (piccolo presynaptic cytomatrix protein; minus strand). Cytogenetic location: 7q21.11.
Variant type: single nucleotide variant.
Coding change: c.5267G>A on transcript NM_033026.6 (MANE Select); coding-DNA position 5267, G replaced by A.
Protein change: p.Arg1756His; replaces arginine 1756 with histidine.
Molecular consequence: missense variant.
Genome position (GRCh38, 1-based): chr7:82,955,686, C>T on the plus strand (G>A on the coding strand, the complement: PCLO is on the minus strand). VCF-style: chr7-82955686-C-T. GRCh37 (hg19) VCF-style: chr7-82585002-C-T.
Other names: c.5267G>A, p.Arg1756His (NM_014510.3); short protein forms R1756H.
Identifiers: ClinVar variation 1032312 (VCV001032312.10), dbSNP rs139451754, ClinGen allele CA4320679.